The following is an entry in ClinVar:

NM_000322.5(PRPH2):c.910_911insG (p.Gln304fs)

Gene: PRPH2 (peripherin 2; minus strand). Cytogenetic location: 6p21.1.
Variant type: Insertion.
Coding change: c.910_911insG on transcript NM_000322.5 (MANE Select); coding-DNA positions 910 to 911, G inserted.
Protein change: p.Gln304fs; shifts the reading frame from glutamine 304.
Molecular consequence: frameshift variant.
Genome position: GRCh38 VCF-style: chr6-42698425-T-TC. GRCh37 (hg19) VCF-style: chr6-42666163-T-TC.
Other names: short protein forms Q304fs.
Identifiers: ClinVar variation 3767356 (VCV003767356.1).
Genomic context (GRCh38, chr6:42,698,425, plus strand): 5'-TTCACACTCTCCAGAAAGGCCTTCCAGGTCTCCGGCACGCTCCTCTCCAGCAGCCAGCCC[T>TC]GGCTCTCGCTCTCAGATTCCTCGGGGTTGGACACACCATCCAGCGACGTCTGTAGGTAGC-3'

ClinVar aggregate classification (germline): Likely pathogenic (1 of 4 stars; one submission).

Conditions:
Retinitis pigmentosa 7 (RP7). Identifiers: Orphanet 791, MedGen C1842475, MONDO:0011974, OMIM 608133.

Submission:

SingHealth Duke-NUS Institute of Precision Medicine
Classification: Likely pathogenic for Retinitis pigmentosa 7. Last evaluated: 2025-02-05. Review status: criteria provided, single submitter. Criteria: PRISM ACMG Classification Criteria. Collection method: clinical testing. Allele origin: germline. Affected: yes.
Comment: Variant truncates more than 10% of the protein and there are other LOF variants downstream of this variant (PVS1). Homozygous allele count in gnomAD exomes and genomes are less than 0 (PM2).